The following is an entry in ClinVar:

NM_001267550.2(TTN):c.104609A>G (p.Asp34870Gly)

Genes: TTN-AS1 (TTN antisense RNA 1; plus strand), TTN (titin; minus strand). Cytogenetic location: 2q31.2.
Variant type: single nucleotide variant.
Coding change: c.104609A>G on transcript NM_001267550.2 (MANE Select); coding-DNA position 104609, A replaced by G.
Protein change: p.Asp34870Gly; replaces aspartic acid 34870 with glycine.
Molecular consequence: missense variant.
Genome position (GRCh38, 1-based): chr2:178,532,006, T>C on the plus strand (A>G on the coding strand, the complement: TTN is on the minus strand). VCF-style: chr2-178532006-T-C. GRCh37 (hg19) VCF-style: chr2-179396733-T-C.
Other names: c.99686A>G, p.Asp33229Gly (NM_001256850.1); c.77414A>G, p.Asp25805Gly (NM_003319.4); c.96905A>G, p.Asp32302Gly (NM_133378.4); c.77789A>G, p.Asp25930Gly (NM_133432.3); c.77990A>G, p.Asp25997Gly (NM_133437.4); short protein forms D25930G, D34870G, D33229G, D25997G, D32302G, D25805G.
Identifiers: ClinVar variation 4794032 (VCV004794032.1).

ClinVar aggregate classification (germline): Uncertain significance (1 of 4 stars; one submission).

Conditions:
Autosomal recessive limb-girdle muscular dystrophy type 2J (LGMDR10). Also called: MUSCULAR DYSTROPHY, LIMB-GIRDLE, AUTOSOMAL RECESSIVE 10; Limb-girdle muscular dystrophy, type 2J. Identifiers: Orphanet 140922, MedGen C1837342, MONDO:0012127, OMIM 608807.
Dilated cardiomyopathy 1G (CMD1G). Identifiers: Orphanet 154, MedGen C1858763, MONDO:0011400, OMIM 604145.

gnomAD v4.1: 3 of 1,613,854 alleles (0.00019%); highest among the groups gnomAD compares: Non-Finnish European, 0.00025%; no homozygotes.

Submission:

Labcorp Genetics (formerly Invitae), Labcorp
Classification: Uncertain significance for Dilated cardiomyopathy 1G; Autosomal recessive limb-girdle muscular dystrophy type 2J. Last evaluated: 2025-05-13. Review status: criteria provided, single submitter. Criteria: Invitae Variant Classification Sherloc (09022015). Collection method: clinical testing. Allele origin: germline.
Comment: This sequence change replaces aspartic acid, which is acidic and polar, with glycine, which is neutral and non-polar, at codon 34870 of the TTN protein (p.Asp34870Gly). This variant is not present in population databases (gnomAD no frequency). This variant has not been reported in the literature in individuals affected with TTN-related conditions. Experimental studies and prediction algorithms are not available or were not evaluated, and the functional significance of this variant is currently unknown. This variant is located in the M band of TTN (PMID: 25589632). Non-truncating variants in this region may be relevant for neuromuscular disorders, but have not been definitively shown to cause cardiomyopathy (PMID: 23975875). In summary, the available evidence is currently insufficient to determine the role of this variant in disease. Therefore, it has been classified as a Variant of Uncertain Significance.

Literature cited by the submitters: PubMed 25589632; PubMed 23975875.